The following is an entry in ClinVar:

NM_006129.5(BMP1):c.676A>T (p.Thr226Ser)

Gene: BMP1 (bone morphogenetic protein 1; plus strand). Cytogenetic location: 8p21.3.
Variant type: single nucleotide variant.
Coding change: c.676A>T on transcript NM_006129.5 (MANE Select); coding-DNA position 676, A replaced by T.
Protein change: p.Thr226Ser; replaces threonine 226 with serine.
Molecular consequence: missense variant. On other transcripts: non-coding transcript variant (2).
Genome position (GRCh38, 1-based): chr8:22,177,085, A>T. VCF-style: chr8-22177085-A-T. GRCh37 (hg19) VCF-style: chr8-22034598-A-T.
Other names: c.676A>T, p.Thr226Ser (NM_001199.4); short protein forms T226S.
Identifiers: ClinVar variation 1485635 (VCV001485635.8), dbSNP rs2131849926, ClinGen allele CA370542214.

ClinVar aggregate classification (germline): Uncertain significance (1 of 4 stars; one submission).

Submission:

Labcorp Genetics (formerly Invitae), Labcorp
Classification: Uncertain significance. Last evaluated: 2021-07-08. Review status: criteria provided, single submitter. Criteria: Invitae Variant Classification Sherloc (09022015). Collection method: clinical testing. Allele origin: germline.
Comment: This sequence change replaces threonine with serine at codon 226 of the BMP1 protein (p.Thr226Ser). The threonine residue is highly conserved and there is a small physicochemical difference between threonine and serine. This variant is not present in population databases (ExAC no frequency). This variant has not been reported in the literature in individuals affected with BMP1-related conditions. Algorithms developed to predict the effect of missense changes on protein structure and function (SIFT, PolyPhen-2, Align-GVGD) all suggest that this variant is likely to be disruptive. In summary, the available evidence is currently insufficient to determine the role of this variant in disease. Therefore, it has been classified as a Variant of Uncertain Significance.